The following is an entry in ClinVar:

ClinVar aggregate classification (germline): Uncertain significance (1 of 4 stars; one submission).

Conditions:
Autosomal recessive distal spinal muscular atrophy 1. Also called: HMN VI; NEURONOPATHY, SEVERE INFANTILE AXONAL, WITH RESPIRATORY FAILURE; Spinal muscular atrophy with respiratory distress 1; SEVERE INFANTILE AXONAL NEUROPATHY WITH RESPIRATORY FAILURE; SPINAL MUSCULAR ATROPHY, DIAPHRAGMATIC; NEURONOPATHY, DISTAL HEREDITARY MOTOR, HARDING TYPE VI. Identifiers: Orphanet 98920, MedGen C1858517, MONDO:0011436, OMIM 604320.
Charcot-Marie-Tooth disease axonal type 2S. Also called: CHARCOT-MARIE-TOOTH NEUROPATHY, TYPE 2S; CHARCOT-MARIE-TOOTH DISEASE, AXONAL, AUTOSOMAL RECESSIVE, TYPE 2S. Identifiers: Orphanet 443073, MedGen C4015349, MONDO:0014511, OMIM 616155.

Allele frequency attached by ClinVar (database versions not stated): gnomAD exomes below 0.00001; TOPMed below 0.00001.
gnomAD v4.1: 1 of 1,613,198 alleles (0.000062%); highest among the groups gnomAD compares: Non-Finnish European, 0.000085%; no homozygotes.

Submission:

Labcorp Genetics (formerly Invitae), Labcorp
Classification: Uncertain significance for Autosomal recessive distal spinal muscular atrophy 1; Charcot-Marie-Tooth disease axonal type 2S. Last evaluated: 2019-05-25. Review status: criteria provided, single submitter. Criteria: Invitae Variant Classification Sherloc (09022015). Collection method: clinical testing. Allele origin: germline.
Comment: This variant is not present in population databases (ExAC no frequency). This variant has not been reported in the literature in individuals with IGHMBP2-related disease. Algorithms developed to predict the effect of missense changes on protein structure and function are either unavailable or do not agree on the potential impact of this missense change (SIFT: "Tolerated"; PolyPhen-2: "Possibly Damaging"; Align-GVGD: "Class C0"). In summary, the available evidence is currently insufficient to determine the role of this variant in disease. Therefore, it has been classified as a Variant of Uncertain Significance. This sequence change replaces alanine with proline at codon 427 of the IGHMBP2 protein (p.Ala427Pro). The alanine residue is weakly conserved and there is a small physicochemical difference between alanine and proline.

NM_002180.3(IGHMBP2):c.1279G>C (p.Ala427Pro)

Gene: IGHMBP2 (immunoglobulin mu DNA binding protein 2; plus strand). Cytogenetic location: 11q13.3.
Variant type: single nucleotide variant.
Coding change: c.1279G>C on transcript NM_002180.3 (MANE Select); coding-DNA position 1279, G replaced by C.
Protein change: p.Ala427Pro; replaces alanine 427 with proline.
Molecular consequence: missense variant.
Genome position (GRCh38, 1-based): chr11:68,933,342, G>C. VCF-style: chr11-68933342-G-C. GRCh37 (hg19) VCF-style: chr11-68700810-G-C.
Other names: short protein forms A427P.
Identifiers: ClinVar variation 653391 (VCV000653391.11), dbSNP rs1594451196, ClinGen allele CA381648756.